The following is an entry in ClinVar:

NM_015080.4(NRXN2):c.3073C>T (p.Gln1025Ter)

Gene: NRXN2 (neurexin 2; minus strand). Cytogenetic location: 11q13.1.
Variant type: single nucleotide variant.
Coding change: c.3073C>T on transcript NM_015080.4 (MANE Select); coding-DNA position 3073, C replaced by T.
Protein change: p.Gln1025Ter; replaces glutamine 1025 with a stop codon.
Molecular consequence: nonsense.
Genome position (GRCh38, 1-based): chr11:64,650,484, G>A on the plus strand (C>T on the coding strand, the complement: NRXN2 is on the minus strand). VCF-style: chr11-64650484-G-A. GRCh37 (hg19) VCF-style: chr11-64417956-G-A.
Other names: c.3073C>T, p.Gln1025Ter (NM_001376262.1); c.3052C>T, p.Gln1018Ter (NM_001376263.1, NM_001376267.1); c.3028C>T, p.Gln1010Ter (NM_001376265.1); c.3049C>T, p.Gln1017Ter (NM_001376266.1); c.2953C>T, p.Gln985Ter (NM_138732.3); short protein forms Q1010*, Q1018*, Q1025*, Q985*, Q1017*.
Identifiers: ClinVar variation 4839820 (VCV004839820.1).
Genomic context (GRCh38, chr11:64,650,484, plus strand): 5'-CTTCTCCAGAGGCCCCAGCCCCACCTTTGAGATCGAGGTTTCGGGCGCCATTGGAGTGCT[G>A]CGTGACAGTGCGGGAGTCAATCTTGAGCGTGTGCACGTTGCCTGGGTCCCTGGACACCAC-3'

ClinVar aggregate classification (germline): Uncertain significance (1 of 4 stars; one submission).

Submission:

Ambry Genetics
Classification: Uncertain significance. Last evaluated: 2026-02-10. Review status: criteria provided, single submitter. Criteria: Ambry Variant Classification Scheme 2023. Collection method: clinical testing. Allele origin: germline.
Comment: The c.3073C>T (p.Q1025*) alteration, located in exon 15 (coding exon 14) of the NRXN2 gene, consists of a C to T substitution at nucleotide position 3073. This changes the amino acid from a glutamine (Q) to a stop codon at amino acid position 1025. This variant is expected to result in premature protein truncation or nonsense-mediated mRNA decay. However, loss of function of NRXN2 has not been established as a mechanism of disease. This variant was not reported in population-based cohorts in the Genome Aggregation Database (gnomAD). Based on insufficient or conflicting evidence, the clinical significance of this alteration remains unclear.